The following is an entry in ClinVar:

NM_001378418.1(TCF20):c.5749+5G>T

Gene: TCF20 (transcription factor 20; minus strand). Cytogenetic location: 22q13.2.
Variant type: single nucleotide variant.
Coding change: c.5749+5G>T on transcript NM_001378418.1 (MANE Select); 5 bases into the intron after coding-DNA position 5749, G replaced by T.
Molecular consequence: intron variant.
Genome position (GRCh38, 1-based): chr22:42,179,604, C>A on the plus strand (G>T on the coding strand, the complement: TCF20 is on the minus strand). VCF-style: chr22-42179604-C-A. GRCh37 (hg19) VCF-style: chr22-42575610-C-A.
Other names: c.5749+5G>T (NM_005650.4, NM_181492.3).
Identifiers: ClinVar variation 4711885 (VCV004711885.1).

ClinVar aggregate classification (germline): Uncertain significance (1 of 4 stars; one submission).

Submission:

Labcorp Genetics (formerly Invitae), Labcorp
Classification: Uncertain significance. Last evaluated: 2025-10-21. Review status: criteria provided, single submitter. Criteria: Invitae Variant Classification Sherloc (09022015). Collection method: clinical testing. Allele origin: germline.
Comment: This sequence change falls in intron 3 of the TCF20 gene. It does not directly change the encoded amino acid sequence of the TCF20 protein. It affects a nucleotide within the consensus splice site. This variant is not present in population databases (gnomAD no frequency). This variant has not been reported in the literature in individuals affected with TCF20-related conditions. Variants that disrupt the consensus splice site are a relatively common cause of aberrant splicing (PMID: 17576681, 9536098). Algorithms developed to predict the effect of sequence changes on RNA splicing suggest that this variant is not likely to affect RNA splicing. In summary, the available evidence is currently insufficient to determine the role of this variant in disease. Therefore, it has been classified as a Variant of Uncertain Significance.

Literature cited by the submitters: PubMed 17576681; PubMed 9536098.